The following is an entry in ClinVar:

ClinVar aggregate classification (germline): Likely benign. Review status: reviewed by expert panel (3 of 4 stars). 12 submissions from 11 submitters: Likely benign (1). 11 of the submissions do not count toward it. Last evaluated 2026-07-20.

Conditions:
Nephronophthisis. Also called: Juvenile Nephronophthisis. Identifiers: Orphanet 655, MedGen C0687120, MONDO:0019005, HP:0000090.
Meckel-Gruber syndrome. Also called: Dysencephalia splachnocystica; DYSENCEPHALIA SPLANCHNOCYSTICA; GRUBER SYNDROME. Identifiers: Orphanet 564, MedGen C0265215, MONDO:0018921.
Joubert syndrome. Also called: Familial aplasia of the vermis; JOUBERT-BOLTSHAUSER SYNDROME. Identifiers: Orphanet 475, MedGen C5979921, MONDO:0018772.
Bardet-Biedl syndrome 14 (BBS14). Identifiers: Orphanet 110, MedGen C2673874, MONDO:0014442, OMIM 615991.
Joubert syndrome 5 (JBTS5). Identifiers: Orphanet 2318, MedGen C1857780, MONDO:0012432, OMIM 610188.
Senior-Loken syndrome 6 (SLSN6). Identifiers: Orphanet 3156, MedGen C1857779, MONDO:0012433, OMIM 610189.
Leber congenital amaurosis 10 (LCA10). Identifiers: Orphanet 65, MedGen C1857821, MONDO:0012723, OMIM 611755.
Meckel syndrome, type 4 (MKS4). Also called: MECKEL-GRUBER SYNDROME, TYPE 4. Identifiers: Orphanet 564, MedGen C1970161, MONDO:0012626, OMIM 611134.
CEP290-related disorder. Also called: CEP290-related condition; CEP290-related disorders. Identifiers: MedGen CN239314.
Retinal dystrophy. Also called: Inherited retinal dystrophy. Identifiers: Orphanet 71862, MedGen C0854723, MeSH D058499, MONDO:0019118, HP:0000556.
CEP290-related ciliopathy. Also called: CEP290 ciliopathy. Identifiers: MedGen CN305601, MONDO:0100451.

Submissions 1 to 10 of 12:

ClinGen Leber Congenital Amaurosis/early Onset Retinal Dystrophy Variant Curation Expert Panel, ClinGen
Classification: Likely benign for CEP290-related ciliopathy. Last evaluated: 2026-07-20. Review status: reviewed by expert panel. Criteria: ClinGen LCAeoRD ACMG Specifications CEP290 V1.0.0. Collection method: curation. Allele origin: germline. Inheritance: Autosomal recessive inheritance.
Comment: NM_025114.4(CEP290):c.7394_7395del (p.Glu2465ValfsTer2) is a frameshift variant that introduces a premature stop codon within exon 54 of 54 of CEP290 that is predicted not to trigger nonsense-mediated decay but rather to C-terminally truncate part of the protein product that has not yet been functionally characterized (PVS1_Moderate). This variant is present in gnomAD v.4.1.1 at a GrpMax allele frequency of 0.003871, with 371 alleles / 87,778 total alleles in the South Asian population, which is higher than the ClinGen LCA/eoRD VCEP BS1 threshold of >0.0016 (BS1). This variant has been found in the homozygous state in 5 adult individuals in gnomAD which exceeds the LCA/eoRD VCEP threshold of ≥3 (gnomAD version 4.1.1; BS2_Supporting). This variant has been reported in the heterozygous state in at least 5 probands with a range of diagnoses such as Joubert syndrome (PMID: 32139166), retinitis pigmentosa (PMID: 34327195), obesity (PMID: 31216558), nonsyndromic retinal dystrophy (PMID: 34196655), or skeletal dysplasia with in utero presentation (PMID: 35123515). However, the probands were not counted for the PM3 code because either a second CEP290 variant was not identified (PMID: 32139166, PMID: 34327195), or the second CEP290 variant has been classified as a VUS rather than a disease-causing variant (PMID: 31216558, PMID: 34196655, PMID: 35123515). In summary, this variant meets the criteria to be classified as Likely Benign for CEP290-related ciliopathy based on the ACMG/AMP criteria applied, as specified by the ClinGen LCA/eoRD VCEP: PVS1_Moderate, BS1, and BS2_Supporting. (LCA/eoRD VCEP Specifications for CEP290 Version 1.0.0)

Labcorp Genetics (formerly Invitae), Labcorp
Classification: Benign for Joubert syndrome; Meckel-Gruber syndrome; Nephronophthisis. Last evaluated: 2026-02-04. Review status: criteria provided, single submitter. Criteria: Invitae Variant Classification Sherloc (09022015). Collection method: clinical testing. Allele origin: germline. Not counted in ClinVar's aggregate classification.

CeGaT Center for Human Genetics Tuebingen
Classification: Likely benign. Last evaluated: 2024-10-01. Review status: criteria provided, single submitter. Criteria: CeGaT Center For Human Genetics Tuebingen Variant Classification Criteria Version 2. Collection method: clinical testing. Allele origin: germline. Affected: yes. Observed: 2 variant alleles. Not counted in ClinVar's aggregate classification.
Comment: CEP290: BS2

Blueprint Genetics
Classification: Likely benign. Last evaluated: 2024-08-29. Review status: criteria provided, single submitter. Criteria: ACMG Guidelines, 2015. Collection method: clinical testing. Allele origin: germline. Not counted in ClinVar's aggregate classification.

Women's Health and Genetics/Laboratory Corporation of America, LabCorp
Classification: Benign. Last evaluated: 2024-08-02. Review status: criteria provided, single submitter. Criteria: LabCorp Variant Classification Summary - May 2015. Collection method: clinical testing. Allele origin: germline. Not counted in ClinVar's aggregate classification.
Comment: Variant summary: CEP290 c.7394_7395delAG (p.Glu2465ValfsX2) results in a premature termination codon, predicted to cause a truncation of the encoded protein or absence of the protein due to nonsense mediated decay, which are commonly known mechanisms for disease. The variant allele was found at a frequency of 0.00031 in 1604266 control chromosomes, predominantly at a frequency of 0.0042 within the South Asian subpopulation in the gnomAD database, including 5 homozygotes. The observed variant frequency within South Asian control individuals in the gnomAD database is approximately 3.76 fold of the estimated maximal expected allele frequency for a pathogenic variant in CEP290 causing Meckel Syndrome Type 4 phenotype (0.0011). c.7394_7395delAG has been reported in the literature in individuals with molecular diagnosis of Joubert syndrome or clinical diagnosis of nonsyndromic retinal dystrophy (Iyer_2022, Testa_2021). Additional patients with retinitis pigmentosa or clinical features of Joubert Syndrome have been reported in the heterozygous state (Bohorquez_2021, Devi_2020), an insufficient genotype. These reports do not provide unequivocal conclusions about association of the variant with Meckel Syndrome Type 4. To our knowledge, no experimental evidence demonstrating an impact on protein function has been reported. The following publications have been ascertained in the context of this evaluation (PMID: 34327195, 32139166, 35123515, 22848652, 34196655). ClinVar contains an entry for this variant (Variation ID: 372319). Based on the evidence outlined above, the variant was classified as benign.

Fulgent Genetics
Classification: Likely benign for Joubert syndrome 5; Senior-Loken syndrome 6; Meckel syndrome, type 4; Leber congenital amaurosis 10; Bardet-Biedl syndrome 14. Last evaluated: 2024-03-12. Review status: criteria provided, single submitter. Criteria: ACMG Guidelines, 2015. Collection method: clinical testing. Allele origin: germline. Not counted in ClinVar's aggregate classification.

Institute of Human Genetics, Univ. Regensburg, Univ. Regensburg
Classification: Uncertain significance for Retinal dystrophy. Last evaluated: 2021-01-01. Review status: criteria provided, single submitter. Criteria: ACMG Guidelines, 2015. Collection method: clinical testing. Allele origin: germline. Affected: yes. Not counted in ClinVar's aggregate classification.

Genomic Research Center, Shahid Beheshti University of Medical Sciences
Classification: Uncertain significance for Joubert syndrome 5. Last evaluated: 2018-08-07. Review status: criteria provided, single submitter. Criteria: ACMG Guidelines, 2015. Collection method: clinical testing. Allele origin: inherited. Affected: no. Observed: 1 variant allele. Not counted in ClinVar's aggregate classification.

Genomic Research Center, Shahid Beheshti University of Medical Sciences
Classification: Uncertain significance for Bardet-Biedl syndrome 14. Last evaluated: 2018-08-07. Review status: criteria provided, single submitter. Criteria: ACMG Guidelines, 2015. Collection method: clinical testing. Allele origin: inherited. Affected: no. Observed: 1 variant allele. Not counted in ClinVar's aggregate classification.

GeneDx
Classification: Uncertain significance. Last evaluated: 2016-11-27. Review status: criteria provided, single submitter. Criteria: GeneDx Variant Classification (06012015). Collection method: clinical testing. Allele origin: germline. Affected: yes. Not counted in ClinVar's aggregate classification.
Comment: A variant of uncertain significance has been identified in the CEP290 gene. The c.7394_7395delAG variant has not been published as a pathogenic variant, nor has it been reported as a benign variant to our knowledge. The c.7394_7395delAG variant is observed in 72/16,502 (0.4%) alleles from individuals of South Asian background (Lek et al., 2016; 1000 Genomes Consortium et al., 2015; Exome Variant Server). The c.7394_7395delAG variant causes a frameshift starting with codon Glutamic acid 2465, changes this amino acid to a Valine residue and creates a premature Stop codon at position 2 of the new reading frame, denoted p.Glu2465ValfsX2. This variant is predicted to cause loss of normal protein function through protein truncation as the last 15 amino acids of the CEP290 protein and lost and replaced with 1 incorrect amino acid. However, this deletion occurs in a region that is not conserved. Therefore, based on the currently available information, it is unclear whether this variant is a pathogenic variant or a rare benign variant.

NM_025114.4(CEP290):c.7394_7395del (p.Glu2465fs)

Genes: CEP290 (centrosomal protein 290; minus strand), RLIG1 (RNA 5'-phosphate and 3'-OH ligase 1; plus strand). Cytogenetic location: 12q21.32.
Variant type: Microsatellite.
Coding change: c.7394_7395del on transcript NM_025114.4 (MANE Select); coding-DNA positions 7394 to 7395, 2 bases deleted (AG; older notation c.7394_7395delAG).
Protein change: p.Glu2465fs; shifts the reading frame from glutamic acid 2465.
Molecular consequence: frameshift variant. On other transcripts: 3 prime UTR variant (1).
Genome position (GRCh38, 1-based): chr12:88,049,229-88,049,230, CT deleted on the plus strand (AG on the coding strand, the reverse complement: CEP290 is on the minus strand); deleting any 2 consecutive bases within chr12:88,049,229-88,049,232 gives the same sequence; the c. name uses the placement nearest the transcript's 3' end. VCF-style (leftmost placement, unchanged base first): chr12-88049228-ACT-A. GRCh37 (hg19) VCF-style: chr12-88443005-ACT-A.
Other names: NM_025114.4(CEP290):c.7394_7395del; p.Glu2465fs; c.7394_7395delAG (NM_025114.3, NM_025114.4); c.*807CT[1] (NM_001009894.3); short protein forms E2465fs.
Identifiers: ClinVar variation 372319 (VCV000372319.60), dbSNP rs569673313, ClinGen allele CA6711275.
Genomic context (GRCh38, chr12:88,049,228, plus strand): 5'-AGTTTATAGGTGACCTTTAGTAAATGGGGAAATTAACAGGACTTTCTTCTTCATCTTCAA[ACT>A]CTTCAGAAGCAGCAACAGGGCTAGTTAATTCAACTCCCAATTGTTCTGAAAGTTTTTTTA-3'